The following is an entry in ClinVar:

NM_000235.4(LIPA):c.690C>A (p.Asp230Glu)

Gene: LIPA (lipase A, lysosomal acid type; minus strand). Cytogenetic location: 10q23.31.
Variant type: single nucleotide variant.
Coding change: c.690C>A on transcript NM_000235.4 (MANE Select); coding-DNA position 690, C replaced by A.
Protein change: p.Asp230Glu; replaces aspartic acid 230 with glutamic acid.
Molecular consequence: missense variant.
Genome position (GRCh38, 1-based): chr10:89,223,816, G>T on the plus strand (C>A on the coding strand, the complement: LIPA is on the minus strand). VCF-style: chr10-89223816-G-T. GRCh37 (hg19) VCF-style: chr10-90983573-G-T.
Other names: c.690C>A, p.Asp230Glu (NM_001127605.3); c.342C>A, p.Asp114Glu (NM_001288979.2); short protein forms D114E, D230E.
Identifiers: ClinVar variation 1756098 (VCV001756098.2), dbSNP rs1409978506, ClinGen allele CA377517104.

ClinVar aggregate classification (germline): Uncertain significance (1 of 4 stars; one submission).

Conditions:
Cardiovascular phenotype. Identifiers: MedGen CN230736.

Submission:

Ambry Genetics
Classification: Uncertain significance for Cardiovascular phenotype. Last evaluated: 2021-08-10. Review status: criteria provided, single submitter. Criteria: Ambry Variant Classification Scheme 2023. Collection method: clinical testing. Allele origin: germline.
Comment: The p.D230E variant (also known as c.690C>A), located in coding exon 6 of the LIPA gene, results from a C to A substitution at nucleotide position 690. The aspartic acid at codon 230 is replaced by glutamic acid, an amino acid with highly similar properties. This amino acid position is conserved. In addition, this alteration is predicted to be tolerated by in silico analysis. Since supporting evidence is limited at this time, the clinical significance of this alteration remains unclear.